The following is an entry in ClinVar:

NM_000350.3(ABCA4):c.6698A>T (p.Glu2233Val)

Gene: ABCA4 (ATP binding cassette subfamily A member 4; minus strand). Cytogenetic location: 1p22.1.
Variant type: single nucleotide variant.
Coding change: c.6698A>T on transcript NM_000350.3 (MANE Select); coding-DNA position 6698, A replaced by T.
Protein change: p.Glu2233Val; replaces glutamic acid 2233 with valine.
Molecular consequence: missense variant.
Genome position (GRCh38, 1-based): chr1:93,997,892, T>A on the plus strand (A>T on the coding strand, the complement: ABCA4 is on the minus strand). VCF-style: chr1-93997892-T-A. GRCh37 (hg19) VCF-style: chr1-94463448-T-A.
Other names: c.6476A>T, p.Glu2159Val (NM_001425324.1); short protein forms E2233V, E2159V.
Identifiers: ClinVar variation 1692998 (VCV001692998.3), dbSNP rs2100987881, ClinGen allele CA341276283.

ClinVar aggregate classification (germline): Likely pathogenic (1 of 4 stars; one submission).

Conditions:
Severe early-childhood-onset retinal dystrophy (STGD1). Also called: Stargardt macular dystrophy; Juvenile onset macular degeneration; Stargardt disease 1; MACULAR DYSTROPHY WITH FLECKS, TYPE 1; STGD. Identifiers: Orphanet 364055, Orphanet 827, MedGen C1855465, MeSH D000080362, MONDO:0009549, OMIM 248200.

Submission:

Biswas-Fiss Lab at the Ammon Pinizzotto Biopharmaceutical Innovation Center, University of Delaware
Classification: Likely pathogenic for Severe early-childhood-onset retinal dystrophy. Last evaluated: 2022-06-21. Review status: criteria provided, single submitter. Criteria: ACMG Guidelines, 2015. Collection method: clinical testing. Allele origin: inherited. Inheritance: Autosomal recessive inheritance. Affected: yes. Observed: 1 compound heterozygote.
Comment: This sequence change (c.6698A>T ) creates a missense variant and replaces glutamic acid with valine in the amino acid sequence of the ABCA4 protein (p.Glu2233Val). This substitution occurs at a residue that is conserved across vertebrate species. There is a substantial physicochemical difference between the amino acids glutamic acid and valine. Based on 3D protein structure modeling and other in silico analyses, this variant is expected to disrupt ABCA4 protein structure and function. This variant is not present in population databases: ExAC or 1000G. It has been observed in blood-related individuals with clinical features of early-onset severe retinal dystrophy. The data is consistent with the variant being in trans (on the opposite chromosome) from a pathogenic variant. In summary, the currently available evidence suggests that the variant is likely pathogenic.